The following is an entry in ClinVar:

ClinVar aggregate classification (germline): Conflicting classifications of pathogenicity. Review status: criteria provided, conflicting classifications (1 of 4 stars). 2 submissions from 2 submitters: Uncertain significance (1); Likely benign (1). Last evaluated 2025-10-25.

Conditions:
Hereditary cancer-predisposing syndrome. Also called: Neoplastic Syndromes, Hereditary; Tumor predisposition; Hereditary Cancer Syndrome; Hereditary neoplastic syndrome. Identifiers: Orphanet 140162, MedGen C0027672, MeSH D009386, MONDO:0015356.
Gastrointestinal stromal tumor. Also called: Gastrointestinal stromal tumor, somatic; Gastrointestinal stroma tumor. Identifiers: Orphanet 44890, MedGen C0238198, MeSH D046152, MONDO:0011719, OMIM 606764, HP:0100723.

Allele frequency attached by ClinVar (database versions not stated): gnomAD exomes below 0.00001.
gnomAD v4.1: 2 of 1,608,568 alleles (0.00012%); highest among the groups gnomAD compares: Non-Finnish European, 0.00017%; no homozygotes.

Submissions (2):

Labcorp Genetics (formerly Invitae), Labcorp
Classification: Uncertain significance for Gastrointestinal stromal tumor. Last evaluated: 2025-10-25. Review status: criteria provided, single submitter. Criteria: Invitae Variant Classification Sherloc (09022015). Collection method: clinical testing. Allele origin: germline.
Comment: This sequence change replaces isoleucine, which is neutral and non-polar, with valine, which is neutral and non-polar, at codon 662 of the KIT protein (p.Ile662Val). This variant is present in population databases (no rsID available, gnomAD 0.0009%). This variant has not been reported in the literature in individuals affected with KIT-related conditions. ClinVar contains an entry for this variant (Variation ID: 660536). An algorithm developed to predict the effect of missense changes on protein structure and function outputs the following: PolyPhen-2: "Benign". The valine amino acid residue is found in multiple mammalian species, which suggests that this missense change does not adversely affect protein function. In summary, the available evidence is currently insufficient to determine the role of this variant in disease. Therefore, it has been classified as a Variant of Uncertain Significance.

Ambry Genetics
Classification: Likely benign for Hereditary cancer-predisposing syndrome. Last evaluated: 2023-05-19. Review status: criteria provided, single submitter. Criteria: Ambry Variant Classification Scheme 2023. Collection method: clinical testing. Allele origin: germline.

NM_000222.3(KIT):c.1984A>G (p.Ile662Val)

Gene: KIT (KIT proto-oncogene, receptor tyrosine kinase; plus strand). Cytogenetic location: 4q12.
Variant type: single nucleotide variant.
Coding change: c.1984A>G on transcript NM_000222.3 (MANE Select); coding-DNA position 1984, A replaced by G.
Protein change: p.Ile662Val; replaces isoleucine 662 with valine.
Molecular consequence: missense variant.
Genome position (GRCh38, 1-based): chr4:54,728,115, A>G. VCF-style: chr4-54728115-A-G. GRCh37 (hg19) VCF-style: chr4-55594281-A-G.
Other names: c.1972A>G, p.Ile658Val (NM_001093772.2, NM_001385286.1); c.1987A>G, p.Ile663Val (NM_001385284.1, NM_001385290.1); c.1984A>G, p.Ile662Val (NM_001385285.1); c.1975A>G, p.Ile659Val (NM_001385288.1, NM_001385292.1); short protein forms I662V, I658V, I659V, I663V.
Identifiers: ClinVar variation 660536 (VCV000660536.13), dbSNP rs1439996385, ClinGen allele CA356908792.